The following is an entry in ClinVar:

NM_201384.3(PLEC):c.4720G>A (p.Ala1574Thr)

Gene: PLEC (plectin; minus strand). Cytogenetic location: 8q24.3.
Variant type: single nucleotide variant.
Coding change: c.4720G>A on transcript NM_201384.3 (MANE Select); coding-DNA position 4720, G replaced by A.
Protein change: p.Ala1574Thr; replaces alanine 1574 with threonine.
Molecular consequence: missense variant.
Genome position (GRCh38, 1-based): chr8:143,925,209, C>T on the plus strand (G>A on the coding strand, the complement: PLEC is on the minus strand). VCF-style: chr8-143925209-C-T. GRCh37 (hg19) VCF-style: chr8-144999377-C-T.
Other names: c.4801G>A, p.Ala1601Thr (NM_000445.5); c.4678G>A, p.Ala1560Thr (NM_201378.4); c.4654G>A, p.Ala1552Thr (NM_201379.3); c.5131G>A, p.Ala1711Thr (NM_201380.4); c.4624G>A, p.Ala1542Thr (NM_201381.3); c.4720G>A, p.Ala1574Thr (NM_201382.4); c.4732G>A, p.Ala1578Thr (NM_201383.3); short protein forms A1542T, A1552T, A1560T, A1574T, A1578T, A1601T, A1711T.
Identifiers: ClinVar variation 392804 (VCV000392804.11), dbSNP rs914835478, ClinGen allele CA16605205.

ClinVar aggregate classification (germline): Uncertain significance. Review status: criteria provided, multiple submitters, no conflicts (2 of 4 stars). 4 submissions from 4 submitters: Uncertain significance (4). Last evaluated 2025-08-14.

Conditions:
Inborn genetic diseases. Identifiers: MedGen C0950123, MeSH D030342.
Epidermolysis bullosa simplex with nail dystrophy (EBS5D). Identifiers: MedGen C4225309, MONDO:0014661, OMIM 616487.
Epidermolysis bullosa simplex, Ogna type (EBS5A). Also called: Pidermolysis bullosa simplex 5A, Ogna type; EPIDERMOLYSIS BULLOSA SIMPLEX 5A, OGNA TYPE. Identifiers: Orphanet 79401, MedGen C0432317, MONDO:0007555, OMIM 131950.
Epidermolysis bullosa simplex 5C, with pyloric atresia (EBS5C). Also called: PLEC1-Related Epidermolysis Bullosa with Pyloric Atresia; PLEC-Related Epidermolysis Bullosa with Pyloric Atresia; Epidermolysis bullosa simplex with pyloric atresia. Identifiers: Orphanet 158684, MedGen C2677349, MONDO:0012807, OMIM 612138.
Epidermolysis bullosa simplex 5B, with muscular dystrophy (EBS5B). Also called: EPIDERMOLYSIS BULLOSA SIMPLEX AND LIMB-GIRDLE MUSCULAR DYSTROPHY; Epidermolysis bullosa simplex with muscular dystrophy. Identifiers: Orphanet 257, MedGen C2931072, MONDO:0009181, OMIM 226670.
Autosomal recessive limb-girdle muscular dystrophy type 2Q (LGMDR17). Also called: MUSCULAR DYSTROPHY, LIMB-GIRDLE, AUTOSOMAL RECESSIVE 17. Identifiers: Orphanet 254361, MedGen C3150989, MONDO:0013390, OMIM 613723.

Allele frequency attached by ClinVar (database versions not stated): gnomAD exomes below 0.00001 and 0.00003; gnomAD 0.00004; TOPMed 0.00004.
gnomAD v4.1: 54 of 1,587,744 alleles (0.0034%); highest among the groups gnomAD compares: Non-Finnish European, 0.0046%; no homozygotes.

Submissions (4):

Ambry Genetics
Classification: Uncertain significance for Inborn genetic diseases. Last evaluated: 2025-08-14. Review status: criteria provided, single submitter. Criteria: Ambry Variant Classification Scheme 2023. Collection method: clinical testing. Allele origin: germline.

Labcorp Genetics (formerly Invitae), Labcorp
Classification: Uncertain significance for Autosomal recessive limb-girdle muscular dystrophy type 2Q; Epidermolysis bullosa simplex, Ogna type; Epidermolysis bullosa simplex with nail dystrophy; Epidermolysis bullosa simplex 5C, with pyloric atresia; Epidermolysis bullosa simplex 5B, with muscular dystrophy. Last evaluated: 2025-04-09. Review status: criteria provided, single submitter. Criteria: Invitae Variant Classification Sherloc (09022015). Collection method: clinical testing. Allele origin: germline.
Comment: This sequence change replaces alanine, which is neutral and non-polar, with threonine, which is neutral and polar, at codon 1601 of the PLEC protein (p.Ala1601Thr). The frequency data for this variant in the population databases is considered unreliable, as metrics indicate poor data quality at this position in the gnomAD database. This variant has not been reported in the literature in individuals affected with PLEC-related conditions. ClinVar contains an entry for this variant (Variation ID: 392804). Experimental studies and prediction algorithms are not available or were not evaluated, and the functional significance of this variant is currently unknown. In summary, the available evidence is currently insufficient to determine the role of this variant in disease. Therefore, it has been classified as a Variant of Uncertain Significance.

Revvity Omics, Revvity
Classification: Uncertain significance. Last evaluated: 2020-06-30. Review status: criteria provided, single submitter. Criteria: ACMG Guidelines, 2015. Collection method: clinical testing. Allele origin: germline.

GeneDx
Classification: Uncertain significance. Last evaluated: 2017-01-10. Review status: criteria provided, single submitter. Criteria: GeneDx Variant Classification (06012015). Collection method: clinical testing. Allele origin: germline. Affected: yes.
Comment: A variant of uncertain significance has been identified in the PLEC gene. The A1601T variant has not been published as a pathogenic variant, nor has it been reported as a benign variant to our knowledge. The A1601T variant is not observed in large population cohorts (Lek et al., 2016; 1000 Genomes Consortium et al., 2015; Exome Variant Server). The A1601T variant is a non-conservative amino acid substitution, which is likely to impact secondary protein structure as these residues differ in polarity, charge, size and/or other properties. This substitution occurs at a position that is conserved in mammals. However, in silico analysis is inconsistent in its predictions as to whether or not the variant is damaging to the protein structure/function. Therefore, based on the currently available information, it is unclear whether this variant is a pathogenic variant or a rare benign variant.